The following is an entry in ClinVar:

ClinVar aggregate classification (germline): Uncertain significance (1 of 4 stars; one submission).

Submission:

Labcorp Genetics (formerly Invitae), Labcorp
Classification: Uncertain significance. Last evaluated: 2022-05-14. Review status: criteria provided, single submitter. Criteria: Invitae Variant Classification Sherloc (09022015). Collection method: clinical testing. Allele origin: germline.
Comment: This sequence change replaces alanine, which is neutral and non-polar, with serine, which is neutral and polar, at codon 257 of the PPCS protein (p.Ala257Ser). This variant is not present in population databases (gnomAD no frequency). This variant has not been reported in the literature in individuals affected with PPCS-related conditions. Algorithms developed to predict the effect of missense changes on protein structure and function are either unavailable or do not agree on the potential impact of this missense change (SIFT: "Deleterious"; PolyPhen-2: "Probably Damaging"; Align-GVGD: "Class C0"). In summary, the available evidence is currently insufficient to determine the role of this variant in disease. Therefore, it has been classified as a Variant of Uncertain Significance.

NM_024664.4(PPCS):c.769G>T (p.Ala257Ser)

Genes: CCDC30 (coiled-coil domain containing 30; plus strand), PPCS (phosphopantothenoylcysteine synthetase; plus strand). Cytogenetic location: 1p34.2.
Variant type: single nucleotide variant.
Coding change: c.769G>T on transcript NM_024664.4 (MANE Select); coding-DNA position 769, G replaced by T.
Protein change: p.Ala257Ser; replaces alanine 257 with serine.
Molecular consequence: missense variant. On other transcripts: intron variant (2).
Genome position (GRCh38, 1-based): chr1:42,459,759, G>T. VCF-style: chr1-42459759-G-T. GRCh37 (hg19) VCF-style: chr1-42925430-G-T.
Other names: c.250G>T, p.Ala84Ser (NM_001077447.3, NM_001287506.1, NM_001287508.2 and 2 more transcripts); c.151G>T, p.Ala51Ser (NM_001287507.1); c.-880+2409G>T (NM_001355226.2); c.612+2409G>T (NM_001287511.2); short protein forms A257S, A51S, A84S.
Identifiers: ClinVar variation 1994273 (VCV001994273.4), dbSNP rs2522632367, ClinGen allele CA339949952.